The following is an entry in ClinVar:

ClinVar aggregate classification (germline): Benign/Likely benign. Review status: criteria provided, multiple submitters, no conflicts (2 of 4 stars). 4 submissions from 4 submitters: Benign (1); Likely benign (3). Last evaluated 2026-01-22.

Conditions:
RIPK1-related disorder. Also called: RIPK1-related condition.

Allele frequency attached by ClinVar (database versions not stated): gnomAD exomes 0.00042; ExAC 0.00055; 1000 Genomes Project 0.00160; gnomAD 0.00172 and 0.00189; 1000 Genomes Project 30x 0.00203; TOPMed 0.00215; ESP Exome Variant Server 0.00269.
gnomAD v4.1: 537 of 1,612,040 alleles (0.033%); highest among the groups gnomAD compares: African/African-American, 0.65%; 3 homozygotes.

Submissions (4):

Labcorp Genetics (formerly Invitae), Labcorp
Classification: Benign. Last evaluated: 2026-01-22. Review status: criteria provided, single submitter. Criteria: Invitae Variant Classification Sherloc (09022015). Collection method: clinical testing. Allele origin: germline.

PreventionGenetics, part of Exact Sciences
Classification: Likely benign for RIPK1-related condition. Last evaluated: 2025-09-22. Review status: criteria provided, single submitter. Criteria: ACMG Guidelines, 2015. Collection method: clinical testing. Allele origin: germline.
Comment: This variant is classified as likely benign based on ACMG/AMP sequence variant interpretation guidelines (Richards et al. 2015 PMID: 25741868, with internal and published modifications).

Mayo Clinic Laboratories, Mayo Clinic
Classification: Likely benign. Last evaluated: 2025-01-07. Review status: criteria provided, single submitter. Criteria: ACMG Guidelines, 2015. Collection method: clinical testing. Allele origin: germline. Observed: 1 variant allele.
Comment: BS1, BP4, BP7

Blueprint Genetics
Classification: Likely benign. Last evaluated: 2024-06-10. Review status: criteria provided, single submitter. Criteria: ACMG Guidelines, 2015. Collection method: clinical testing. Allele origin: germline.

NM_001354930.2(RIPK1):c.1083T>C (p.Pro361=)

Gene: RIPK1 (receptor interacting serine/threonine kinase 1; plus strand). Cytogenetic location: 6p25.2.
Variant type: single nucleotide variant.
Coding change: c.1083T>C on transcript NM_001354930.2 (MANE Select); coding-DNA position 1083, T replaced by C.
Protein change: p.Pro361=; no amino-acid change (proline 361 retained).
Molecular consequence: synonymous variant.
Genome position (GRCh38, 1-based): chr6:3,105,558, T>C. VCF-style: chr6-3105558-T-C. GRCh37 (hg19) VCF-style: chr6-3105792-T-C.
Other names: p.Pro361=; c.594T>C, p.Pro198= (NM_001317061.3, NM_001354932.2, NM_001354933.2 and 1 more transcripts); c.945T>C, p.Pro315= (NM_001354931.2); c.1083T>C, p.Pro361= (NM_003804.6); c.1083T>C (NM_003804.4).
Identifiers: ClinVar variation 1667136 (VCV001667136.11), dbSNP rs114175266, ClinGen allele CA3618374.
Genomic context (GRCh38, chr6:3,105,558, plus strand): 5'-TTCACTGCACAGTTCCCAGGGACTTGGGATGGGTCCTGTGGAGGAGTCCTGGTTTGCTCC[T>C]TCCCTGGAGCACCCACAAGAAGAGAATGAGCCCAGCCTGCAGAGTAAACTCCAAGACGAA-3'
Protein context (NP_001341859.1, residues 351-371): MGPVEESWFA[Pro361=]SLEHPQEENE